The following is an entry in ClinVar:

ClinVar aggregate classification (germline): Benign/Likely benign. Review status: criteria provided, multiple submitters, no conflicts (2 of 4 stars). 3 submissions from 3 submitters: Benign (1); Likely benign (2). Last evaluated 2026-03-01.

Conditions:
Orofaciodigital syndrome I (OFD1). Also called: Oral-Facial-Digital Syndrome Type I; OFDS I; Papillon-Leage and Psaume Syndrome. Identifiers: Orphanet 2750, MedGen C1510460, MONDO:0010702, OMIM 311200.
Joubert syndrome. Also called: JOUBERT-BOLTSHAUSER SYNDROME; Familial aplasia of the vermis. Identifiers: Orphanet 475, MedGen C5979921, MONDO:0018772.

Allele frequency attached by ClinVar (database versions not stated): gnomAD 0.00001; ExAC 0.00002; gnomAD exomes 0.00002 and 0.00003; TOPMed 0.00002.
gnomAD v4.1: 36 of 1,202,607 alleles (0.003%); highest among the groups gnomAD compares: Middle Eastern, 0.023%; no homozygotes.

Submissions (3):

CeGaT Center for Human Genetics Tuebingen
Classification: Likely benign. Last evaluated: 2026-03-01. Review status: criteria provided, single submitter. Criteria: CeGaT Center For Human Genetics Tuebingen Variant Classification Criteria Version 2. Collection method: clinical testing. Allele origin: germline. Affected: yes. Observed: 1 variant allele.
Comment: OFD1: BP4, BP7, BS2

Labcorp Genetics (formerly Invitae), Labcorp
Classification: Benign for Orofaciodigital syndrome I; Joubert syndrome. Last evaluated: 2025-08-20. Review status: criteria provided, single submitter. Criteria: Invitae Variant Classification Sherloc (09022015). Collection method: clinical testing. Allele origin: germline.

Blueprint Genetics
Classification: Likely benign. Last evaluated: 2023-07-21. Review status: criteria provided, single submitter. Criteria: ACMG Guidelines, 2015. Collection method: clinical testing. Allele origin: germline.

NM_003611.3(OFD1):c.984T>G (p.Leu328=)

Gene: OFD1 (OFD1 centriole and centriolar satellite protein; plus strand). Cytogenetic location: Xp22.2.
Variant type: single nucleotide variant.
Coding change: c.984T>G on transcript NM_003611.3 (MANE Select); coding-DNA position 984, T replaced by G.
Protein change: p.Leu328=; no amino-acid change (leucine 328 retained).
Molecular consequence: synonymous variant. On other transcripts: intron variant (1).
Genome position (GRCh38, 1-based): chrX:13,751,297, T>G. VCF-style: chrX-13751297-T-G. GRCh37 (hg19) VCF-style: chrX-13769416-T-G.
Other names: c.564T>G, p.Leu188= (NM_001330210.2); c.935+1764T>G (NM_001330209.2).
Identifiers: ClinVar variation 1599258 (VCV001599258.13), dbSNP rs61734977, ClinGen allele CA10351729.
Genomic context (GRCh38, chrX:13,751,297, plus strand): 5'-TGTTAATTTCAGGAACCAGAAGCTCCAGGAAGAAAAACATAAAAGCATAACTGAGGCACT[T>G]AGGAGACAGGAGCAGAATATAAAGAGTTTTGAGGAGACCTATGACCGAAAGCTCAAGAAT-3'
Protein context (NP_003602.1, residues 318-338): EEKHKSITEA[Leu328=]RRQEQNIKSF